The following is an entry in ClinVar:

ClinVar aggregate classification (germline): Uncertain significance (1 of 4 stars; one submission).

gnomAD v4.1: 11 of 1,613,988 alleles (0.00068%); highest among the groups gnomAD compares: Non-Finnish European, 0.00025%; no homozygotes.

Submission:

GeneDx
Classification: Uncertain significance. Last evaluated: 2024-01-17. Review status: criteria provided, single submitter. Criteria: GeneDx Variant Classification Process June 2021. Collection method: clinical testing. Allele origin: germline. Affected: yes.
Comment: Not observed at significant frequency in large population cohorts (gnomAD); In silico analysis supports that this missense variant has a deleterious effect on protein structure/function; Has not been previously published as pathogenic or benign to our knowledge

NM_005609.4(PYGM):c.209G>A (p.Arg70His)

Gene: PYGM (glycogen phosphorylase, muscle associated; minus strand). Cytogenetic location: 11q13.1.
Variant type: single nucleotide variant.
Coding change: c.209G>A on transcript NM_005609.4 (MANE Select); coding-DNA position 209, G replaced by A.
Protein change: p.Arg70His; replaces arginine 70 with histidine.
Molecular consequence: missense variant.
Genome position (GRCh38, 1-based): chr11:64,759,690, C>T on the plus strand (G>A on the coding strand, the complement: PYGM is on the minus strand). VCF-style: chr11-64759690-C-T. GRCh37 (hg19) VCF-style: chr11-64527162-C-T.
Other names: c.209G>A, p.Arg70His (NM_001164716.1); short protein forms R70H.
Identifiers: ClinVar variation 3367845 (VCV003367845.1).